The following is an entry in ClinVar:

NM_000069.3(CACNA1S):c.1828G>T (p.Val610Leu)

Gene: CACNA1S (calcium voltage-gated channel subunit alpha1 S; minus strand). Cytogenetic location: 1q32.1.
Variant type: single nucleotide variant.
Coding change: c.1828G>T on transcript NM_000069.3 (MANE Select); coding-DNA position 1828, G replaced by T.
Protein change: p.Val610Leu; replaces valine 610 with leucine.
Molecular consequence: missense variant.
Genome position (GRCh38, 1-based): chr1:201,075,615, C>A on the plus strand (G>T on the coding strand, the complement: CACNA1S is on the minus strand). VCF-style: chr1-201075615-C-A. GRCh37 (hg19) VCF-style: chr1-201044743-C-A.
Other names: c.1828G>T (NM_000069.2); short protein forms V610L.
Identifiers: ClinVar variation 1478409 (VCV001478409.12), dbSNP rs756131999, ClinGen allele CA078618.

ClinVar aggregate classification (germline): Uncertain significance. Review status: criteria provided, multiple submitters, no conflicts (2 of 4 stars). 7 submissions from 4 submitters: Uncertain significance (7). Last evaluated 2024-01-20.

Conditions:
Congenital myopathy 18. Also called: Myopathy, congenital, due to dihydropyridine receptor defect; DIHYDROPYRIDINE RECEPTOR CONGENITAL MYOPATHY; DHPR CONGENITAL MYOPATHY. Identifiers: MedGen C5830283, MONDO:0859514, OMIM 620246.
Hypokalemic periodic paralysis, type 1. Also called: HypoPP; Hypokalemic Periodic Paralysis Type 1 (AD). Identifiers: Orphanet 681, MedGen C3714580, MONDO:0042979, OMIM 170400.
Malignant hyperthermia, susceptibility to, 5 (MHS5). Also called: CACNA1S-Related Malignant Hyperthermia Susceptibility. Identifiers: Orphanet 423, MedGen C1866077, MONDO:0011163, OMIM 601887.
Inborn genetic diseases. Identifiers: MedGen C0950123, MeSH D030342.
Thyrotoxic periodic paralysis, susceptibility to, 1 (TTPP1). Identifiers: Orphanet 79102, MedGen C2749982, MONDO:0008570, OMIM 188580.

Allele frequency attached by ClinVar (database versions not stated): ExAC 0.00001; gnomAD 0.00005; TOPMed 0.00005.
gnomAD v4.1: 8 of 1,613,958 alleles (0.0005%); highest among the groups gnomAD compares: African/African-American, 0.0093%; no homozygotes.

Submissions (7):

Fulgent Genetics
Classification: Uncertain significance for Hypokalemic periodic paralysis, type 1; Thyrotoxic periodic paralysis, susceptibility to, 1; Malignant hyperthermia, susceptibility to, 5; Congenital myopathy 18. Last evaluated: 2024-01-20. Review status: criteria provided, single submitter. Criteria: ACMG Guidelines, 2015. Collection method: clinical testing. Allele origin: germline.

Genome-Nilou Lab
Classification: Uncertain significance for Malignant hyperthermia, susceptibility to, 5. Last evaluated: 2023-04-11. Review status: criteria provided, single submitter. Criteria: ACMG Guidelines, 2015. Collection method: clinical testing. Allele origin: germline. Affected: no.

Genome-Nilou Lab
Classification: Uncertain significance for Thyrotoxic periodic paralysis, susceptibility to, 1. Last evaluated: 2023-04-11. Review status: criteria provided, single submitter. Criteria: ACMG Guidelines, 2015. Collection method: clinical testing. Allele origin: germline. Affected: no.

Genome-Nilou Lab
Classification: Uncertain significance for Congenital myopathy 18. Last evaluated: 2023-04-11. Review status: criteria provided, single submitter. Criteria: ACMG Guidelines, 2015. Collection method: clinical testing. Allele origin: germline. Affected: no.

Genome-Nilou Lab
Classification: Uncertain significance for Hypokalemic periodic paralysis, type 1. Last evaluated: 2023-04-11. Review status: criteria provided, single submitter. Criteria: ACMG Guidelines, 2015. Collection method: clinical testing. Allele origin: germline. Affected: no.

Labcorp Genetics (formerly Invitae), Labcorp
Classification: Uncertain significance for Hypokalemic periodic paralysis, type 1; Malignant hyperthermia, susceptibility to, 5. Last evaluated: 2022-06-27. Review status: criteria provided, single submitter. Criteria: Invitae Variant Classification Sherloc (09022015). Collection method: clinical testing. Allele origin: germline.
Comment: This sequence change replaces valine, which is neutral and non-polar, with leucine, which is neutral and non-polar, at codon 610 of the CACNA1S protein (p.Val610Leu). This variant is present in population databases (rs756131999, gnomAD 0.01%). In summary, the available evidence is currently insufficient to determine the role of this variant in disease. Therefore, it has been classified as a Variant of Uncertain Significance. Algorithms developed to predict the effect of sequence changes on RNA splicing suggest that this variant may disrupt the consensus splice site. Algorithms developed to predict the effect of missense changes on protein structure and function are either unavailable or do not agree on the potential impact of this missense change (SIFT: "Deleterious"; PolyPhen-2: "Benign"; Align-GVGD: "Class C0"). This variant has not been reported in the literature in individuals affected with CACNA1S-related conditions.

Ambry Genetics
Classification: Uncertain significance for Inborn genetic diseases. Last evaluated: 2022-03-29. Review status: criteria provided, single submitter. Criteria: Ambry Variant Classification Scheme 2023. Collection method: clinical testing. Allele origin: germline.